The following is an entry in ClinVar:

ClinVar aggregate classification (germline): Uncertain significance. Review status: criteria provided, multiple submitters, no conflicts (2 of 4 stars). 6 submissions from 6 submitters: Uncertain significance (6). Last evaluated 2025-12-02.

Conditions:
ARG1-related disorder. Also called: ARG1-related condition.
Arginase deficiency. Also called: Arginase 1 Deficiency; ARGININEMIA; ARG1 DEFICIENCY. Identifiers: Orphanet 90, MedGen C0268548, MONDO:0008814, OMIM 207800.

Allele frequency attached by ClinVar (database versions not stated): gnomAD exomes 0.00010; ExAC 0.00015; 1000 Genomes Project 0.00120; 1000 Genomes Project 30x 0.00094; ESP Exome Variant Server 0.00038; gnomAD 0.00048 and 0.00041; TOPMed 0.00055.
gnomAD v4.1: 136 of 1,614,106 alleles (0.0084%); highest among the groups gnomAD compares: African/African-American, 0.16%; 2 homozygotes.

Submissions (6):

GeneDx
Classification: Uncertain significance. Last evaluated: 2025-12-02. Review status: criteria provided, single submitter. Criteria: GeneDx Variant Classification Process June 2021. Collection method: clinical testing. Allele origin: germline. Affected: yes.
Comment: Reported along with a second variant in ARG1 in a patient with intellectual disability and elevated plasma arginine in published literature; however, segregation analysis was not performed to determine phase of the variants (PMID: 29726057); In silico analysis suggests that this missense variant does not alter protein structure/function; This variant is associated with the following publications: (PMID: 29726057, 39669610)

Women's Health and Genetics/Laboratory Corporation of America, LabCorp
Classification: Uncertain significance. Last evaluated: 2025-04-11. Review status: criteria provided, single submitter. Criteria: LabCorp Variant Classification Summary - May 2015. Collection method: clinical testing. Allele origin: germline.
Comment: Variant summary: ARG1 c.798A>C (p.Lys266Asn) results in a non-conservative amino acid change in the encoded protein sequence. Three of five in-silico tools predict a benign effect of the variant on protein function. The variant allele was found at a frequency of 9.6e-05 in 250936 control chromosomes, predominantly at a frequency of 0.0011 within the African or African-American subpopulation in the gnomAD database. This frequency is not significantly higher than estimated for a pathogenic variant in ARG1 causing Arginase Deficiency (9.6e-05 vs 0.0019), allowing no conclusion about variant significance. c.798A>C has been observed in one individual affected with Arginase Deficiency (Diez-Fernandez_2018). These report(s) do not provide unequivocal conclusions about association of the variant with Arginase Deficiency. To our knowledge, no experimental evidence demonstrating an impact on protein function has been reported. The following publication has been ascertained in the context of this evaluation (PMID: 29726057). ClinVar contains an entry for this variant (Variation ID: 966411). Based on the evidence outlined above, the variant was classified as VUS-possibly benign.

PreventionGenetics, part of Exact Sciences
Classification: Uncertain significance for ARG1-related condition. Last evaluated: 2025-02-17. Review status: criteria provided, single submitter. Criteria: ACMG Guidelines, 2015. Collection method: clinical testing. Allele origin: germline.
Comment: The ARG1 c.798A>C variant is predicted to result in the amino acid substitution p.Lys266Asn. This variant was reported in an individual with elevated plasma arginine (Diez-Fernandez et al. 2018. PubMed ID: 29726057). This variant is reported in 0.12% of alleles in individuals of African descent in gnomAD, which may be too common to be a primary cause of disease. At this time, the clinical significance of this variant is uncertain due to the absence of conclusive functional and genetic evidence.

Blueprint Genetics
Classification: Uncertain significance. Last evaluated: 2024-07-19. Review status: criteria provided, single submitter. Criteria: ACMG Guidelines, 2015. Collection method: clinical testing. Allele origin: germline.

Labcorp Genetics (formerly Invitae), Labcorp
Classification: Uncertain significance for Arginase deficiency. Last evaluated: 2022-10-25. Review status: criteria provided, single submitter. Criteria: Invitae Variant Classification Sherloc (09022015). Collection method: clinical testing. Allele origin: germline.
Comment: This sequence change replaces lysine, which is basic and polar, with asparagine, which is neutral and polar, at codon 266 of the ARG1 protein (p.Lys266Asn). This variant is present in population databases (rs111253965, gnomAD 0.1%). This missense change has been observed in individual(s) with clinical features of ARG1-related conditions (PMID: 29726057). ClinVar contains an entry for this variant (Variation ID: 966411). Advanced modeling of protein sequence and biophysical properties (such as structural, functional, and spatial information, amino acid conservation, physicochemical variation, residue mobility, and thermodynamic stability) performed at Invitae indicates that this missense variant is not expected to disrupt ARG1 protein function. In summary, the available evidence is currently insufficient to determine the role of this variant in disease. Therefore, it has been classified as a Variant of Uncertain Significance.

Elsea Laboratory, Baylor College of Medicine
Classification: Uncertain significance for Arginase deficiency. Last evaluated: 2020-04-01. Review status: criteria provided, single submitter. Criteria: ACMG Guidelines, 2015. Collection method: clinical testing. Allele origin: germline. Affected: no.

Literature cited by the submitters: PubMed 29726057 (cited by Women's Health and Genetics/Laboratory Corporation of America, LabCorp and Labcorp Genetics (formerly Invitae), Labcorp).

NM_000045.4(ARG1):c.798A>C (p.Lys266Asn)

Genes: ARG1 (arginase 1; plus strand), MED23 (mediator complex subunit 23; minus strand). Cytogenetic location: 6q23.2.
Variant type: single nucleotide variant.
Coding change: c.798A>C on transcript NM_000045.4 (MANE Select); coding-DNA position 798, A replaced by C.
Protein change: p.Lys266Asn; replaces lysine 266 with asparagine.
Molecular consequence: missense variant. On other transcripts: non-coding transcript variant (1), intron variant (2).
Genome position (GRCh38, 1-based): chr6:131,583,487, A>C. VCF-style: chr6-131583487-A-C. GRCh37 (hg19) VCF-style: chr6-131904627-A-C.
Other names: c.822A>C, p.Lys274Asn (NM_001244438.2); c.543A>C, p.Lys181Asn (NM_001369020.1); c.4077+4222T>G (NM_001270521.2); c.4095+4222T>G (NM_015979.4); short protein forms K274N, K181N, K266N.
Identifiers: ClinVar variation 966411 (VCV000966411.16), dbSNP rs111253965, ClinGen allele CA3999369.
Genomic context (GRCh38, chr6:131,583,487, plus strand): 5'-ACCAGTCGTGGGAGGTCTGACATACAGAGAAGGTCTCTACATCACAGAAGAAATCTACAA[A>C]ACAGGTAGTTAACAATCTGAGGTAATAGAGAAGCAAGTGTACACTTGACTAATATATATT-3'
Protein context (NP_000036.2, residues 256-276): EGLYITEEIY[Lys266Asn]TGLLSGLDIM